The following is an entry in ClinVar:

ClinVar aggregate classification (germline): Uncertain significance (1 of 4 stars; one submission).

Submission:

Ambry Genetics
Classification: Uncertain significance. Last evaluated: 2025-02-09. Review status: criteria provided, single submitter. Criteria: Ambry Variant Classification Scheme 2023. Collection method: clinical testing. Allele origin: germline.
Comment: The p.L529I variant (also known as c.1585C>A), located in coding exon 2 of the CDK12 gene, results from a C to A substitution at nucleotide position 1585. The leucine at codon 529 is replaced by isoleucine, an amino acid with highly similar properties. This amino acid position is conserved. In addition, this alteration is predicted to be tolerated by in silico analysis. Based on the available evidence, the clinical significance of this variant remains unclear.

NM_016507.4(CDK12):c.1585C>A (p.Leu529Ile)

Gene: CDK12 (cyclin dependent kinase 12; plus strand). Cytogenetic location: 17q12.
Variant type: single nucleotide variant.
Coding change: c.1585C>A on transcript NM_016507.4 (MANE Select); coding-DNA position 1585, C replaced by A.
Protein change: p.Leu529Ile; replaces leucine 529 with isoleucine.
Molecular consequence: missense variant.
Genome position (GRCh38, 1-based): chr17:39,471,417, C>A. VCF-style: chr17-39471417-C-A. GRCh37 (hg19) VCF-style: chr17-37627670-C-A.
Other names: c.1585C>A, p.Leu529Ile (NM_015083.4); short protein forms L529I.
Identifiers: ClinVar variation 3830645 (VCV003830645.1).